The following is an entry in ClinVar:

NM_016343.4(CENPF):c.6532G>A (p.Glu2178Lys)

Gene: CENPF (centromere protein F; plus strand). Cytogenetic location: 1q41.
Variant type: single nucleotide variant.
Coding change: c.6532G>A on transcript NM_016343.4 (MANE Select); coding-DNA position 6532, G replaced by A.
Protein change: p.Glu2178Lys; replaces glutamic acid 2178 with lysine.
Molecular consequence: missense variant.
Genome position (GRCh38, 1-based): chr1:214,646,102, G>A. VCF-style: chr1-214646102-G-A. GRCh37 (hg19) VCF-style: chr1-214819445-G-A.
Other names: short protein forms E2178K.
Identifiers: ClinVar variation 4981471 (VCV004981471.1).

ClinVar aggregate classification (germline): Uncertain significance (1 of 4 stars; one submission).

Conditions:
CENPF-related disorder. Also called: CENPF-related condition.

gnomAD v4.1: 180 of 1,614,014 alleles (0.011%); highest among the groups gnomAD compares: Non-Finnish European, 0.014%; 1 homozygote.

Submission:

PreventionGenetics, part of Exact Sciences
Classification: Uncertain significance for CENPF-related condition. Last evaluated: 2026-03-04. Review status: criteria provided, single submitter. Criteria: ACMG Guidelines, 2015. Collection method: clinical testing. Allele origin: germline.
Comment: The CENPF c.6532G>A variant is predicted to result in the amino acid substitution p.Glu2178Lys. This variant was reported in the compound heterozygous state in a suspected case with nonspecific developmental delay without microcephaly or any morphological abnormalities (Cappuccio et al. 2022. PubMed ID: 35488810). This variant is reported in 0.030% of alleles in individuals of East Asian descent in gnomAD. At this time, the clinical significance of this variant is uncertain due to the absence of conclusive functional and genetic evidence.